The following is an entry in ClinVar:

NM_001374828.1(ARID1B):c.2518G>T (p.Gly840Trp)

Gene: ARID1B (AT-rich interaction domain 1B; plus strand). Cytogenetic location: 6q25.3.
Variant type: single nucleotide variant.
Coding change: c.2518G>T on transcript NM_001374828.1 (MANE Select); coding-DNA position 2518, G replaced by T.
Protein change: p.Gly840Trp; replaces glycine 840 with tryptophan.
Molecular consequence: missense variant.
Genome position (GRCh38, 1-based): chr6:157,110,498, G>T. VCF-style: chr6-157110498-G-T. GRCh37 (hg19) VCF-style: chr6-157431632-G-T.
Other names: c.2269G>T, p.Gly757Trp (NM_001346813.1); c.19G>T, p.Gly7Trp (NM_001363725.2); c.2557G>T, p.Gly853Trp (NM_001371656.1, NM_001374820.1); c.2518G>T, p.Gly840Trp (NM_017519.3); c.2308G>T, p.Gly770Trp (NM_020732.3); c.2095G>T, p.Gly699Trp (NM_175863.2); short protein forms G699W, G757W, G770W, G7W, G840W, G853W.
Identifiers: ClinVar variation 3067351 (VCV003067351.21), dbSNP rs1281293131, ClinGen allele CA366386614.

ClinVar aggregate classification (germline): Uncertain significance (1 of 4 stars; one submission).

Submission:

CeGaT Center for Human Genetics Tuebingen
Classification: Uncertain significance. Last evaluated: 2024-03-01. Review status: criteria provided, single submitter. Criteria: CeGaT Center For Human Genetics Tuebingen Variant Classification Criteria Version 2. Collection method: clinical testing. Allele origin: germline. Affected: yes. Observed: 1 variant allele.
Comment: ARID1B: PM2